The following is an entry in ClinVar:

ClinVar aggregate classification (germline): Conflicting classifications of pathogenicity. Review status: criteria provided, conflicting classifications (1 of 4 stars). 3 submissions from 3 submitters: Uncertain significance (2); Benign (1). Last evaluated 2025-12-08.

Conditions:
FLNA-related disorder.
Oto-palato-digital syndrome, type II (OPD2). Also called: Otopalatodigital Syndrome, Type II; OPD II SYNDROME; Otopalatodigital Syndrome Type 2 (FLNA-OPD2); FACIOPALATOOSSEOUS SYNDROME. Identifiers: Orphanet 669, Orphanet 90652, MedGen C1844696, MONDO:0010571, OMIM 304120.
Frontometaphyseal dysplasia (FMD1). Identifiers: Orphanet 1826, MedGen C0265293, MONDO:0015942.
Melnick-Needles syndrome (MNS). Also called: MELNICK-NEEDLES OSTEODYSPLASTY; OSTEODYSPLASTY OF MELNICK AND NEEDLES; Melnick-Needles Syndrome (FLNA-MNS). Identifiers: Orphanet 2484, MedGen C0025237, MONDO:0010650, OMIM 309350.
Heterotopia, periventricular, X-linked dominant (PVNH1). Also called: X-linked periventricular heterotopia; PERIVENTRICULAR NODULAR HETEROTOPIA 1; PERIVENTRICULAR NODULAR HETEROTOPIA 4; HETEROTOPIA, PERIVENTRICULAR, 1. Identifiers: Orphanet 2149, Orphanet 82004, MedGen C1848213, MONDO:0010233, OMIM 300049.

Allele frequency attached by ClinVar (database versions not stated): TOPMed below 0.00001; gnomAD exomes 0.00002 and 0.00001; ExAC 0.00001; gnomAD 0.00001.
gnomAD v4.1: 14 of 1,204,551 alleles (0.0012%); highest among the groups gnomAD compares: East Asian, 0.024%; no homozygotes.

Submissions (3):

Labcorp Genetics (formerly Invitae), Labcorp
Classification: Benign for Oto-palato-digital syndrome, type II; Heterotopia, periventricular, X-linked dominant; Frontometaphyseal dysplasia; Melnick-Needles syndrome. Last evaluated: 2025-12-08. Review status: criteria provided, single submitter. Criteria: Invitae Variant Classification Sherloc (09022015). Collection method: clinical testing. Allele origin: germline.

PreventionGenetics, part of Exact Sciences
Classification: Uncertain significance for FLNA-related condition. Last evaluated: 2025-03-24. Review status: criteria provided, single submitter. Criteria: ACMG Guidelines, 2015. Collection method: clinical testing. Allele origin: germline.
Comment: The FLNA c.7000C>T variant is predicted to result in the amino acid substitution p.Arg2334Cys. This variant has been observed in an individual from a cohort of patients with progressive supranuclear palsy (PSP) (Tsujikawa et al. 2022. PbMed ID: 35613261). This variant is reported in 0.0074% of alleles in individuals of East Asian descent in gnomAD. At this time, the clinical significance of this variant is uncertain due to the absence of conclusive functional and genetic evidence.

ARUP Laboratories, Molecular Genetics and Genomics, ARUP Laboratories
Classification: Uncertain significance. Last evaluated: 2020-06-30. Review status: criteria provided, single submitter. Criteria: ARUP Molecular Germline Variant Investigation Process. Collection method: clinical testing. Allele origin: germline.
Comment: The FLNA c.6976C>T; p.Arg2326Cys variant (rs782689584), to our knowledge, is not reported in the medical literature or gene specific databases. This variant is found in the general population with an allele frequency of 0.00017% (3/180,197) in the Genome Aggregation Database. The arginine at codon 2326 is highly conserved, but computational analyses (SIFT: damaging, PolyPhen-2: tolerated) predict conflicting effects of this variant on protein structure/function. Due to limited information, the clinical significance of the p.Arg2326Cys variant is uncertain at this time.

NM_001110556.2(FLNA):c.7000C>T (p.Arg2334Cys)

Gene: FLNA (filamin A; minus strand). Cytogenetic location: Xq28.
Variant type: single nucleotide variant.
Coding change: c.7000C>T on transcript NM_001110556.2 (MANE Select); coding-DNA position 7000, C replaced by T.
Protein change: p.Arg2334Cys; replaces arginine 2334 with cysteine.
Molecular consequence: missense variant.
Genome position (GRCh38, 1-based): chrX:154,351,604, G>A on the plus strand (C>T on the coding strand, the complement: FLNA is on the minus strand). VCF-style: chrX-154351604-G-A. GRCh37 (hg19) VCF-style: chrX-153579972-G-A.
Other names: c.6976C>T, p.Arg2326Cys (NM_001456.4); c.7000C>T (NM_001110556.1); short protein forms R2326C, R2334C.
Identifiers: ClinVar variation 995674 (VCV000995674.14), dbSNP rs782689584, ClinGen allele CA10559975.